The following is an entry in ClinVar:

ClinVar aggregate classification (germline): Pathogenic. Review status: criteria provided, multiple submitters, no conflicts (2 of 4 stars). 2 submissions from 2 submitters: Pathogenic (2). Last evaluated 2024-11-01.

Conditions:
Cerebral palsy. Identifiers: MedGen C0007789, MONDO:0006497, HP:0100021.
Paediatric disorders.

Submissions (2):

North West Genomic Laboratory Hub, Manchester University NHS Foundation Trust
Classification: Pathogenic for Paediatric disorders. Last evaluated: 2024-11-01. Review status: criteria provided, single submitter. Criteria: ACGS Best Practice Guidelines for Variant Classification in Rare Disease 2024. Collection method: clinical testing. Allele origin: germline. Affected: yes.
Comment: PS4_Mod PS2_Str PP3_Supp PM2_Mod PM1_Mod

Neurogenetics Research Program, University of Adelaide
Classification: Pathogenic for Cerebral palsy. Last evaluated: 2021-06-10. Review status: criteria provided, single submitter. Criteria: ACMG Guidelines, 2015. Collection method: research. Allele origin: unknown. Affected: yes. Observed: 1 variant allele.

NM_006009.4(TUBA1A):c.50G>A (p.Gly17Asp)

Gene: TUBA1A (tubulin alpha 1a; minus strand). Cytogenetic location: 12q13.12.
Variant type: single nucleotide variant.
Coding change: c.50G>A on transcript NM_006009.4 (MANE Select); coding-DNA position 50, G replaced by A.
Protein change: p.Gly17Asp; replaces glycine 17 with aspartic acid.
Molecular consequence: missense variant. On other transcripts: 5 prime UTR variant (1).
Genome position (GRCh38, 1-based): chr12:49,186,787, C>T on the plus strand (G>A on the coding strand, the complement: TUBA1A is on the minus strand). VCF-style: chr12-49186787-C-T. GRCh37 (hg19) VCF-style: chr12-49580570-C-T.
Other names: c.50G>A, p.Gly17Asp (NM_001270399.2); c.-56G>A (NM_001270400.2); short protein forms G17D.
Identifiers: ClinVar variation 1172808 (VCV001172808.2), dbSNP rs2121248568, ClinGen allele CA384646007.
Genomic context (GRCh38, chr12:49,186,787, plus strand): 5'-GGCATCTGGCCATCGGGCTGGATGCCGTGTTCCAGGCAGTAGAGCTCCCAGCAGGCATTG[C>T]CAATCTGGACACCAGCCTGGCCAACGTGGATGGAGATGCACTCACGCTGTGGGGAGGAAA-3'
Protein context (NP_006000.2, residues 7-27): IHVGQAGVQI[Gly17Asp]NACWELYCLE